The following is an entry in ClinVar:

ClinVar aggregate classification (germline): Uncertain significance (1 of 4 stars; one submission).

Conditions:
SCAPER-related disorder. Also called: SCAPER-related condition.

gnomAD v4.1: 3 of 1,603,550 alleles (0.00019%); highest among the groups gnomAD compares: African/African-American, 0.004%; 1 homozygote.

Submission:

PreventionGenetics, part of Exact Sciences
Classification: Uncertain significance for SCAPER-related condition. Last evaluated: 2026-05-08. Review status: criteria provided, single submitter. Criteria: ACMG Guidelines, 2015. Collection method: clinical testing. Allele origin: germline.
Comment: The SCAPER c.492C>A variant is predicted to result in the amino acid substitution p.Ser164Arg. To our knowledge, this variant has not been reported in the literature. This variant is reported in 0.013% of alleles in individuals of African descent in gnomAD. At this time, the clinical significance of this variant is uncertain due to the absence of conclusive functional and genetic evidence.

NM_020843.4(SCAPER):c.492C>A (p.Ser164Arg)

Gene: SCAPER (S-phase cyclin A associated protein in the ER; minus strand). Cytogenetic location: 15q24.3.
Variant type: single nucleotide variant.
Coding change: c.492C>A on transcript NM_020843.4 (MANE Select); coding-DNA position 492, C replaced by A.
Protein change: p.Ser164Arg; replaces serine 164 with arginine.
Molecular consequence: missense variant. On other transcripts: 5 prime UTR variant (1), non-coding transcript variant (1).
Genome position (GRCh38, 1-based): chr15:76,804,535, G>T on the plus strand (C>A on the coding strand, the complement: SCAPER is on the minus strand). VCF-style: chr15-76804535-G-T. GRCh37 (hg19) VCF-style: chr15-77096876-G-T.
Other names: c.-406C>A (NM_001145923.2); c.492C>A, p.Ser164Arg (NM_001353009.2); c.90C>A, p.Ser30Arg (NM_001353010.2, NM_001353011.2, NM_001353012.2); short protein forms S164R, S30R.
Identifiers: ClinVar variation 4999351 (VCV004999351.1).
Genomic context (GRCh38, chr15:76,804,535, plus strand): 5'-AGTGATTGCTATTGAAACTGCTGGATGATAGGAAGATTGAGACCAGAGAGCTCATTACCT[G>T]CTTTGAGCATCTGTCTTCTCTAGCTTTTCCTGAAGCTGAATCCAGTCAATCAATGCTTTG-3'
Protein context (NP_065894.2, residues 154-174): QEKLEKTDAQ[Ser164Arg]RPTSLAWEVK